The following is an entry in ClinVar:

ClinVar aggregate classification (germline): Uncertain significance (1 of 4 stars; one submission).

Submission:

Labcorp Genetics (formerly Invitae), Labcorp
Classification: Uncertain significance. Last evaluated: 2025-10-27. Review status: criteria provided, single submitter. Criteria: Invitae Variant Classification Sherloc (09022015). Collection method: clinical testing. Allele origin: germline.
Comment: This sequence change replaces serine, which is neutral and polar, with isoleucine, which is neutral and non-polar, at codon 533 of the TNNI3K protein (p.Ser533Ile). This variant is not present in population databases (gnomAD no frequency). This variant has not been reported in the literature in individuals affected with TNNI3K-related conditions. Invitae Evidence Modeling of protein sequence and biophysical properties (such as structural, functional, and spatial information, amino acid conservation, physicochemical variation, residue mobility, and thermodynamic stability) indicates that this missense variant is not expected to disrupt TNNI3K protein function with a negative predictive value of 80%. In summary, the available evidence is currently insufficient to determine the role of this variant in disease. Therefore, it has been classified as a Variant of Uncertain Significance.

NM_015978.3(TNNI3K):c.1598G>T (p.Ser533Ile)

Genes: FPGT-TNNI3K (FPGT-TNNI3K readthrough; plus strand), TNNI3K (TNNI3 interacting kinase; plus strand). Cytogenetic location: 1p31.1.
Variant type: single nucleotide variant.
Coding change: c.1598G>T on transcript NM_015978.3 (MANE Select); coding-DNA position 1598, G replaced by T.
Protein change: p.Ser533Ile; replaces serine 533 with isoleucine.
Molecular consequence: missense variant.
Genome position (GRCh38, 1-based): chr1:74,369,516, G>T. VCF-style: chr1-74369516-G-T. GRCh37 (hg19) VCF-style: chr1-74835200-G-T.
Other names: c.1901G>T, p.Ser634Ile (NM_001112808.3, NM_001199327.2); short protein forms S533I, S634I.
Identifiers: ClinVar variation 4740388 (VCV004740388.1).